The following is an entry in ClinVar:

NM_001025616.3(ARHGAP24):c.164A>T (p.Asp55Val)

Gene: ARHGAP24 (Rho GTPase activating protein 24; plus strand). Cytogenetic location: 4q21.23.
Variant type: single nucleotide variant.
Coding change: c.164A>T on transcript NM_001025616.3 (MANE Select); coding-DNA position 164, A replaced by T.
Protein change: p.Asp55Val; replaces aspartic acid 55 with valine.
Molecular consequence: missense variant.
Genome position (GRCh38, 1-based): chr4:85,570,705, A>T. VCF-style: chr4-85570705-A-T. GRCh37 (hg19) VCF-style: chr4-86491858-A-T.
Other names: short protein forms D55V.
Identifiers: ClinVar variation 2355844 (VCV002355844.5), dbSNP rs139936589, ClinGen allele CA2994328.

ClinVar aggregate classification (germline): Uncertain significance. Review status: criteria provided, multiple submitters, no conflicts (2 of 4 stars). 2 submissions from 2 submitters: Uncertain significance (2). Last evaluated 2025-12-10.

Allele frequency attached by ClinVar (database versions not stated): ExAC 0.00005; gnomAD 0.00005; TOPMed 0.00005; gnomAD exomes 0.00003; ESP Exome Variant Server 0.00008.
gnomAD v4.1: 46 of 1,613,998 alleles (0.0029%); highest among the groups gnomAD compares: Admixed American, 0.018%; no homozygotes.

Submissions (2):

Labcorp Genetics (formerly Invitae), Labcorp
Classification: Uncertain significance. Last evaluated: 2025-12-10. Review status: criteria provided, single submitter. Criteria: Invitae Variant Classification Sherloc (09022015). Collection method: clinical testing. Allele origin: germline.
Comment: This sequence change replaces aspartic acid, which is acidic and polar, with valine, which is neutral and non-polar, at codon 55 of the ARHGAP24 protein (p.Asp55Val). This variant is present in population databases (rs139936589, gnomAD 0.03%). This variant has not been reported in the literature in individuals affected with ARHGAP24-related conditions. ClinVar contains an entry for this variant (Variation ID: 2355844). An algorithm developed to predict the effect of missense changes on protein structure and function (PolyPhen-2) suggests that this variant is likely to be tolerated. In summary, the available evidence is currently insufficient to determine the role of this variant in disease. Therefore, it has been classified as a Variant of Uncertain Significance.

Ambry Genetics
Classification: Uncertain significance. Last evaluated: 2023-12-21. Review status: criteria provided, single submitter. Criteria: Ambry Variant Classification Scheme 2023. Collection method: clinical testing. Allele origin: germline.